The following is an entry in ClinVar:

NM_001368894.2(PAX6):c.959-1G>A

Gene: PAX6 (paired box 6; minus strand). Cytogenetic location: 11p13.
Variant type: single nucleotide variant.
Coding change: c.959-1G>A on transcript NM_001368894.2 (MANE Select); the canonical splice acceptor site of the intron before coding-DNA position 959, G replaced by A.
Molecular consequence: splice acceptor variant.
Genome position (GRCh38, 1-based): chr11:31,793,554, C>T on the plus strand (G>A on the coding strand, the complement: PAX6 is on the minus strand). VCF-style: chr11-31793554-C-T. GRCh37 (hg19) VCF-style: chr11-31815102-C-T.
Other names: c.917-1G>A (NM_001127612.3, NM_001368890.2, NM_001368888.2 and 10 more transcripts); c.758-1G>A (NM_001368921.2, NM_001368923.2, NM_001368926.2 and 4 more transcripts); c.959-1G>A (NM_001258462.3, NM_001310158.2, NM_001258463.2 and 6 more transcripts); c.1034-1G>A (NM_001368919.2, NM_001368918.2); c.1160-1G>A (NM_001368910.2); c.509-1G>A (NM_001368909.2, NM_001368904.2, NM_001368905.2 and 11 more transcripts); c.962-1G>A (NM_001368911.2); c.716-1G>A (NM_001368928.2); and 2 more.
Identifiers: ClinVar variation 800466 (VCV000800466.9), dbSNP rs1592412022, ClinGen allele CA379956228.
Genomic context (GRCh38, chr11:31,793,554, plus strand): 5'-AGGTGTTTGTGAGGGCTGTGTCTGTTCGGCCCAACATGGAGCCAGATGTGAAGGAGGAAA[C>T]TGAGGGCAAGAGAAATGACAGTAGTCAGAGTGAGAGTCAGAGCCCGGAGCAAACAGGTTT-3'

ClinVar aggregate classification (germline): Pathogenic. Review status: criteria provided, multiple submitters, no conflicts (2 of 4 stars). 3 submissions from 3 submitters: Pathogenic (2). 1 of the submissions does not count toward it. Last evaluated 2025-03-27.

Conditions:
Aniridia 1 (AN1). Identifiers: Orphanet 250923, MedGen C0344542, MONDO:0024507, OMIM 106210.
Irido-corneo-trabecular dysgenesis (ASGD5). Also called: ANTERIOR SEGMENT DYSGENESIS 5. Identifiers: Orphanet 708, MedGen C0344559, MONDO:0011414, OMIM 604229, HP:0000659.

Submissions (3):

GeneDx
Classification: Pathogenic. Last evaluated: 2025-03-27. Review status: criteria provided, single submitter. Criteria: GeneDx Variant Classification Process June 2021. Collection method: clinical testing. Allele origin: germline. Affected: yes.
Comment: Canonical splice site variant predicted to result in a null allele in a gene for which loss of function is a known mechanism of disease; Not observed at significant frequency in large population cohorts (gnomAD); This variant is associated with the following publications: (PMID: 25525159, 32360764, 16712695, 34101622, 38219857)

Labcorp Genetics (formerly Invitae), Labcorp
Classification: Pathogenic for Aniridia 1; Irido-corneo-trabecular dysgenesis. Last evaluated: 2022-07-19. Review status: criteria provided, single submitter. Criteria: Invitae Variant Classification Sherloc (09022015). Collection method: clinical testing. Allele origin: germline.
Comment: ClinVar contains an entry for this variant (Variation ID: 800466). For these reasons, this variant has been classified as Pathogenic. Algorithms developed to predict the effect of sequence changes on RNA splicing suggest that this variant may disrupt the consensus splice site. This variant is also known as IVS10-1g>a. Disruption of this splice site has been observed in individual(s) with aniridia (PMID: 32360764). This variant is not present in population databases (gnomAD no frequency). This sequence change affects an acceptor splice site in intron 10 of the PAX6 gene. It is expected to disrupt RNA splicing. Variants that disrupt the donor or acceptor splice site typically lead to a loss of protein function (PMID: 16199547), and loss-of-function variants in PAX6 are known to be pathogenic (PMID: 12634864).

Wessex Regional Genetics Laboratory, Salisbury District Hospital
Classification: Pathogenic for Aniridia 1. Last evaluated: 2019-08-15. Review status: no assertion criteria provided. Criteria: ACMG Guidelines, 2015. Collection method: clinical testing. Allele origin: unknown. Inheritance: Autosomal dominant inheritance. Affected: yes. Not counted in ClinVar's aggregate classification.

Literature cited by the submitters: PubMed 32360764 (cited by Labcorp Genetics (formerly Invitae), Labcorp); PubMed 16199547 (cited by Labcorp Genetics (formerly Invitae), Labcorp); PubMed 12634864 (cited by Labcorp Genetics (formerly Invitae), Labcorp).